The following is an entry in ClinVar:

ClinVar aggregate classification (germline): Benign (1 of 4 stars; one submission).

Conditions:
Oroticaciduria. Also called: Orotic aciduria. Identifiers: Orphanet 30, MedGen C0268128, HP:0003218.

Allele frequency attached by ClinVar (database versions not stated): ExAC 0.00167; gnomAD exomes 0.00328 and 0.00533; gnomAD 0.02695 and 0.02539; TOPMed 0.02850; 1000 Genomes Project 0.03355; 1000 Genomes Project 30x 0.03420.
gnomAD v4.1: 4,842 of 454,112 alleles (1.1%); highest among the groups gnomAD compares: African/African-American, 8.8%; 180 homozygotes.

Submission:

Illumina Laboratory Services, Illumina
Classification: Benign for Hereditary orotic aciduria. Last evaluated: 2018-01-13. Review status: criteria provided, single submitter. Criteria: ICSL Variant Classification Criteria 13 December 2019. Collection method: clinical testing. Allele origin: germline.
Comment: This variant was observed in the ICSL laboratory as part of a predisposition screen in an ostensibly healthy population. It had not been previously curated by ICSL or reported in the Human Gene Mutation Database (HGMD: prior to June 1st, 2018), and was therefore a candidate for classification through an automated scoring system. Utilizing variant allele frequency, disease prevalence and penetrance estimates, and inheritance mode, an automated score was calculated to assess if this variant is too frequent to cause the disease. Based on the score and internal cut-off values, a variant classified as benign is not then subjected to further curation. The score for this variant resulted in a classification of benign for this disease.

NM_000373.4(UMPS):c.*4486G>A

Gene: UMPS (uridine monophosphate synthetase; plus strand). Cytogenetic location: 3q21.2.
Variant type: single nucleotide variant.
Coding change: c.*4486G>A on transcript NM_000373.4 (MANE Select); 4486 bases downstream of the stop codon, G replaced by A.
Molecular consequence: 3 prime UTR variant. On other transcripts: non-coding transcript variant (2).
Genome position (GRCh38, 1-based): chr3:124,748,570, G>A. VCF-style: chr3-124748570-G-A. GRCh37 (hg19) VCF-style: chr3-124467417-G-A.
Identifiers: ClinVar variation 343032 (VCV000343032.5), dbSNP rs591886, ClinGen allele CA2582169.
Genomic context (GRCh38, chr3:124,748,570, plus strand): 5'-TTGCCTAGCCCTTTCCTTCCCACCAAGGGGGAAAGTCTTCCTCTAGACAAGAGGCAGAGG[G>A]CTCCTCAGAGTCAGATCCTGGTGTGGGCTCTCACGTGCTGCTGCTGAATCCCAGGGAAGG-3'